The following continues an entry in ClinVar:

NM_007294.4(BRCA1):c.19C>T (p.Arg7Cys)

Gene: BRCA1. ClinVar aggregate classification (germline): Conflicting classifications of pathogenicity. Uncertain significance (2); Likely benign (8).

Submission 16 of 16:

Department of Pathology and Laboratory Medicine, Sinai Health System
Classification: Likely benign for Malignant tumor of breast. Review status: no assertion criteria provided. Collection method: clinical testing. Allele origin: unknown. Affected: yes. Study: The Canadian Open Genetics Repository (COGR). Not counted in ClinVar's aggregate classification.
Comment: The BRCA1 p.Arg7Cys variant was identified in 5 of 516 proband chromosomes (frequency: 0.0097) from Argentinean, Iranian and Algerian individuals or families with HBOC (Cherbal 2012, Solano 2012, Keshavarzi 2012). The variant was also identified in dbSNP (ID: rs80356994) as "With other allele", ClinVar (classified as likely benign by Ambry Genetics, GeneDx, Color, Invitae, Quest Diagnostics, SCRP, and True Health Diagnostics; as uncertain significance by Queen's University and BIC), LOVD 3.0 (3 submissions, classified as does not affect function and effect unknown), UMD-LSDB (classified as a probable polymorphism).The variant was identified in control databases in 6 of 245822 chromosomes at a frequency of 0.00002 (Genome Aggregation Database Feb 27, 2017). The variant was observed in the following populations: European Non-Finnish in 6 of 111308 chromosomes (freq: 0.000054), while the variant was not observed in the African, Other, Latino, Ashkenazi Jewish, East Asian, European Finnish, and South Asian populations. In a yeast two-hybrid ubiquitin ligase assay this variant showed E2 and BARD1 binding and E3 ligase activity equivalent to wild type function (Morris 2006). In a massively parallel functional analysis of BRCA1 RING domain variants, this variant showed no binding defect with BARD1 and was able to rescue homology-directed DNA repair but it performed poorly in the E3 ligase selections; however, it may retain enough E3 ligase activity to satisfy a possibly low threshold of requisite activity and was classified as benign (Starita 2015). The p.Arg7 residue is not conserved in mammals and computational analyses (PolyPhen-2, SIFT, AlignGVGD, BLOSUM, MutationTaster) provide inconsistent predictions regarding the impact to the protein; this information is not very predictive of pathogenicity. The variant occurs outside of the splicing consensus sequence and in silico or computational prediction software programs (SpliceSiteFinder, MaxEntScan, NNSPLICE, GeneSplicer) do not predict a difference in splicing. In summary, based on the above information the clinical significance of this variant cannot be determined with certainty at this time although we would lean towards a more benign role for this variant. This variant is classified as likely benign.

Literature cited by the submitters: PubMed 16267036 (cited by Women's Health and Genetics/Laboratory Corporation of America, LabCorp and Quest Diagnostics Nichols Institute San Juan Capistrano); PubMed 23192404 (cited by Women's Health and Genetics/Laboratory Corporation of America, LabCorp and Quest Diagnostics Nichols Institute San Juan Capistrano); PubMed 23961350 (cited by 3 submitters); PubMed 20683152 (cited by Women's Health and Genetics/Laboratory Corporation of America, LabCorp); PubMed 16403807 (cited by Women's Health and Genetics/Laboratory Corporation of America, LabCorp and Quest Diagnostics Nichols Institute San Juan Capistrano); PubMed 20859677 (cited by Women's Health and Genetics/Laboratory Corporation of America, LabCorp and Quest Diagnostics Nichols Institute San Juan Capistrano); PubMed 21918854 (cited by Women's Health and Genetics/Laboratory Corporation of America, LabCorp and Quest Diagnostics Nichols Institute San Juan Capistrano); PubMed 25823446 (cited by Women's Health and Genetics/Laboratory Corporation of America, LabCorp and Quest Diagnostics Nichols Institute San Juan Capistrano); PubMed 30209399 (cited by Women's Health and Genetics/Laboratory Corporation of America, LabCorp and Quest Diagnostics Nichols Institute San Juan Capistrano); PubMed 32546644 (cited by Women's Health and Genetics/Laboratory Corporation of America, LabCorp and Quest Diagnostics Nichols Institute San Juan Capistrano); PubMed 32123317 (cited by Women's Health and Genetics/Laboratory Corporation of America, LabCorp and Quest Diagnostics Nichols Institute San Juan Capistrano); PubMed 34981296 (cited by Women's Health and Genetics/Laboratory Corporation of America, LabCorp and Quest Diagnostics Nichols Institute San Juan Capistrano); PubMed 35659930 (cited by Women's Health and Genetics/Laboratory Corporation of America, LabCorp and Quest Diagnostics Nichols Institute San Juan Capistrano); PubMed 33471991 (cited by Quest Diagnostics Nichols Institute San Juan Capistrano); PubMed 22684231 (cited by Quest Diagnostics Nichols Institute San Juan Capistrano); PubMed 11573085 (cited by Quest Diagnostics Nichols Institute San Juan Capistrano).